The following is an entry in ClinVar:

NM_022124.6(CDH23):c.6118C>T (p.Leu2040=)

Gene: CDH23 (cadherin related 23; plus strand). Cytogenetic location: 10q22.1.
Variant type: single nucleotide variant.
Coding change: c.6118C>T on transcript NM_022124.6 (MANE Select); coding-DNA position 6118, C replaced by T.
Protein change: p.Leu2040=; no amino-acid change (leucine 2040 retained).
Molecular consequence: synonymous variant.
Genome position (GRCh38, 1-based): chr10:71,791,200, C>T. VCF-style: chr10-71791200-C-T. GRCh37 (hg19) VCF-style: chr10-73550957-C-T.
Other names: c.6118C>T (NM_022124.5).
Identifiers: ClinVar variation 1616034 (VCV001616034.9), dbSNP rs947653083, ClinGen allele CA209464703.

ClinVar aggregate classification (germline): Likely benign. Review status: criteria provided, multiple submitters, no conflicts (2 of 4 stars). 2 submissions from 2 submitters: Likely benign (2). Last evaluated 2025-11-14.

Conditions:
CDH23-related disorder. Also called: CDH23-related disorders; CDH23-related condition.

Allele frequency attached by ClinVar (database versions not stated): gnomAD exomes below 0.00001 and 0.00001; TOPMed 0.00001.
gnomAD v4.1: 3 of 1,613,522 alleles (0.00019%); highest among the groups gnomAD compares: Non-Finnish European, 0.00025%; no homozygotes.

Submissions (2):

PreventionGenetics, part of Exact Sciences
Classification: Likely benign for CDH23-related condition. Last evaluated: 2025-11-14. Review status: criteria provided, single submitter. Criteria: ACMG Guidelines, 2015. Collection method: clinical testing. Allele origin: germline.
Comment: This variant is classified as likely benign based on ACMG/AMP sequence variant interpretation guidelines (Richards et al. 2015 PMID: 25741868, with internal and published modifications).

Labcorp Genetics (formerly Invitae), Labcorp
Classification: Likely benign. Last evaluated: 2024-03-05. Review status: criteria provided, single submitter. Criteria: Invitae Variant Classification Sherloc (09022015). Collection method: clinical testing. Allele origin: germline.